The following is an entry in ClinVar:

NM_016938.5(EFEMP2):c.203A>C (p.Glu68Ala)

Gene: EFEMP2 (EGF-like fibulin extracellular matrix protein 2; minus strand). Cytogenetic location: 11q13.1.
Variant type: single nucleotide variant.
Coding change: c.203A>C on transcript NM_016938.5 (MANE Select); coding-DNA position 203, A replaced by C.
Protein change: p.Glu68Ala; replaces glutamic acid 68 with alanine.
Molecular consequence: missense variant. On other transcripts: non-coding transcript variant (1).
Genome position (GRCh38, 1-based): chr11:65,871,321, T>G on the plus strand (A>C on the coding strand, the complement: EFEMP2 is on the minus strand). VCF-style: chr11-65871321-T-G. GRCh37 (hg19) VCF-style: chr11-65638792-T-G.
Other names: short protein forms E68A.
Identifiers: ClinVar variation 4747022 (VCV004747022.1).
Genomic context (GRCh38, chr11:65,871,321, plus strand): 5'-ATGACGGCAGCGGAGCGGGGCAGGCACAAGTAGCCCCCGTAGTGGTTGATGCACTTCATT[T>G]CCCCCTTGCAGGCCTCAGGGATGGTCAGACACTCGTTGACATCTGCAGAGAGGGGCCTGC-3'
Protein context (NP_058634.4, residues 58-78): CLTIPEACKG[Glu68Ala]MKCINHYGGY

ClinVar aggregate classification (germline): Uncertain significance (1 of 4 stars; one submission).

Conditions:
Cutis laxa, autosomal recessive, type 1B (ARCL1B). Also called: CUTIS LAXA, AUTOSOMAL RECESSIVE, TYPE IB; EFEMP2-Related Cutis Laxa. Identifiers: Orphanet 90349, MedGen C3280798, MONDO:0013754, OMIM 614437. Disease mechanism: loss of function.

gnomAD v4.1: 1 of 1,613,966 alleles (0.000062%); highest among the groups gnomAD compares: Non-Finnish European, 0.000085%; no homozygotes.

Submission:

Labcorp Genetics (formerly Invitae), Labcorp
Classification: Uncertain significance for Cutis laxa, autosomal recessive, type 1B. Last evaluated: 2025-02-19. Review status: criteria provided, single submitter. Criteria: Invitae Variant Classification Sherloc (09022015). Collection method: clinical testing. Allele origin: germline.
Comment: This sequence change replaces glutamic acid, which is acidic and polar, with alanine, which is neutral and non-polar, at codon 68 of the EFEMP2 protein (p.Glu68Ala). This variant is not present in population databases (gnomAD no frequency). This variant has not been reported in the literature in individuals affected with EFEMP2-related conditions. Invitae Evidence Modeling of protein sequence and biophysical properties (such as structural, functional, and spatial information, amino acid conservation, physicochemical variation, residue mobility, and thermodynamic stability) has been performed for this missense variant. However, the output from this modeling did not meet the statistical confidence thresholds required to predict the impact of this variant on EFEMP2 protein function. In summary, the available evidence is currently insufficient to determine the role of this variant in disease. Therefore, it has been classified as a Variant of Uncertain Significance.